The following is an entry in ClinVar:

NM_003468.4(FZD5):c.1531C>T (p.Leu511=)

Gene: FZD5 (frizzled class receptor 5; minus strand). Cytogenetic location: 2q33.3.
Variant type: single nucleotide variant.
Coding change: c.1531C>T on transcript NM_003468.4 (MANE Select); coding-DNA position 1531, C replaced by T.
Protein change: p.Leu511=; no amino-acid change (leucine 511 retained).
Molecular consequence: synonymous variant.
Genome position (GRCh38, 1-based): chr2:207,767,209, G>A on the plus strand (C>T on the coding strand, the complement: FZD5 is on the minus strand). VCF-style: chr2-207767209-G-A. GRCh37 (hg19) VCF-style: chr2-208631933-G-A.
Identifiers: ClinVar variation 775808 (VCV000775808.17), dbSNP rs150237984, ClinGen allele CA2076886.

ClinVar aggregate classification (germline): Benign/Likely benign. Review status: criteria provided, multiple submitters, no conflicts (2 of 4 stars). 4 submissions from 4 submitters: Benign (2); Likely benign (1). 1 of the submissions does not count toward it. Last evaluated 2026-01-09.

Conditions:
FZD5-related disorder. Also called: FZD5-related condition.

Allele frequency attached by ClinVar (database versions not stated): ExAC 0.00115; ESP Exome Variant Server 0.00173; gnomAD 0.00241 and 0.00254; TOPMed 0.00269; 1000 Genomes Project 0.00419; 1000 Genomes Project 30x 0.00500.

Submissions (4):

Labcorp Genetics (formerly Invitae), Labcorp
Classification: Benign. Last evaluated: 2026-01-09. Review status: criteria provided, single submitter. Criteria: Invitae Variant Classification Sherloc (09022015). Collection method: clinical testing. Allele origin: germline.

CeGaT Center for Human Genetics Tuebingen
Classification: Likely benign. Last evaluated: 2025-08-01. Review status: criteria provided, single submitter. Criteria: CeGaT Center For Human Genetics Tuebingen Variant Classification Criteria Version 2. Collection method: clinical testing. Allele origin: germline. Affected: yes. Observed: 1 variant allele.
Comment: FZD5: BP4, BP7

Breakthrough Genomics
Classification: Benign. Review status: criteria provided, single submitter. Criteria: ACMG Guidelines, 2015. Collection method: not provided. Allele origin: germline. Inheritance: Unknown mechanism. Affected: yes.

PreventionGenetics, part of Exact Sciences
Classification: Benign for FZD5-related condition. Last evaluated: 2019-06-18. Review status: no assertion criteria provided. Collection method: clinical testing. Allele origin: germline. Not counted in ClinVar's aggregate classification.
Comment: This variant is classified as benign based on ACMG/AMP sequence variant interpretation guidelines (Richards et al. 2015 PMID: 25741868, with internal and published modifications).